The following is an entry in ClinVar:

NM_172250.3(MMAA):c.659T>C (p.Val220Ala)

Gene: MMAA (metabolism of cobalamin associated A; plus strand). Cytogenetic location: 4q31.21.
Variant type: single nucleotide variant.
Coding change: c.659T>C on transcript NM_172250.3 (MANE Select); coding-DNA position 659, T replaced by C.
Protein change: p.Val220Ala; replaces valine 220 with alanine.
Molecular consequence: missense variant.
Genome position (GRCh38, 1-based): chr4:145,646,082, T>C. VCF-style: chr4-145646082-T-C. GRCh37 (hg19) VCF-style: chr4-146567234-T-C.
Other names: c.659T>C, p.Val220Ala (NM_001375644.1); short protein forms V220A.
Identifiers: ClinVar variation 1478647 (VCV001478647.6), dbSNP rs941689476, ClinGen allele CA107725487.
Genomic context (GRCh38, chr4:145,646,082, plus strand): 5'-TATCAAGAGATATGAATGCATACATCAGGCCATCTCCTACTAGAGGAACTTTAGGAGGCG[T>C]GACAAGGACCACAAATGAAGCTATTCTGTTGTGTGAAGGAGCGGGATATGACATAATTCT-3'
Protein context (NP_758454.1, residues 210-230): PSPTRGTLGG[Val220Ala]TRTTNEAILL

ClinVar aggregate classification (germline): Likely pathogenic (1 of 4 stars; one submission).

Conditions:
Methylmalonic aciduria, cblA type (MACA). Also called: Vitamin B12-responsive methylmalonic acidemia type cblA; Methylmalonic aciduria, vitamin B12-responsive; Methylmalonic aciduria, vitamin b12-responsive, due to defect in synthesis of adenosylcobalamin, cbla complementation type; MMA cbl A type; Methylmalonic acidemia cblA type. Identifiers: Orphanet 28, Orphanet 79310, MedGen C1855109, MONDO:0009613, OMIM 251100.

Allele frequency attached by ClinVar (database versions not stated): TOPMed 0.00001.

Submission:

Labcorp Genetics (formerly Invitae), Labcorp
Classification: Likely pathogenic for Methylmalonic aciduria, cblA type. Last evaluated: 2023-07-13. Review status: criteria provided, single submitter. Criteria: Invitae Variant Classification Sherloc (09022015). Collection method: clinical testing. Allele origin: germline.
Comment: This variant is not present in population databases (gnomAD no frequency). This variant has not been reported in the literature in individuals affected with MMAA-related conditions. ClinVar contains an entry for this variant (Variation ID: 1478647). Advanced modeling of protein sequence and biophysical properties (such as structural, functional, and spatial information, amino acid conservation, physicochemical variation, residue mobility, and thermodynamic stability) has been performed at Invitae for this missense variant, however the output from this modeling did not meet the statistical confidence thresholds required to predict the impact of this variant on MMAA protein function. This variant disrupts the p.Val220 amino acid residue in MMAA. Other variant(s) that disrupt this residue have been determined to be pathogenic (PMID: 28497574, 33453710). This suggests that this residue is clinically significant, and that variants that disrupt this residue are likely to be disease-causing. In summary, the currently available evidence indicates that the variant is pathogenic, but additional data are needed to prove that conclusively. Therefore, this variant has been classified as Likely Pathogenic. This sequence change replaces valine, which is neutral and non-polar, with alanine, which is neutral and non-polar, at codon 220 of the MMAA protein (p.Val220Ala).

Literature cited by the submitters: PubMed 28497574; PubMed 33453710.